The following is an entry in ClinVar:

NM_014244.5(ADAMTS2):c.*842T>C

Gene: ADAMTS2 (ADAM metallopeptidase with thrombospondin type 1 motif 2; minus strand). Cytogenetic location: 5q35.3.
Variant type: single nucleotide variant.
Coding change: c.*842T>C on transcript NM_014244.5 (MANE Select); 842 bases downstream of the stop codon, T replaced by C.
Molecular consequence: 3 prime UTR variant.
Genome position (GRCh38, 1-based): chr5:179,113,025, A>G on the plus strand (T>C on the coding strand, the complement: ADAMTS2 is on the minus strand). VCF-style: chr5-179113025-A-G. GRCh37 (hg19) VCF-style: chr5-178540026-A-G.
Identifiers: ClinVar variation 353073 (VCV000353073.5), dbSNP rs10038484, ClinGen allele CA10621495.

ClinVar aggregate classification (germline): Benign (1 of 4 stars; one submission).

Conditions:
Ehlers-Danlos syndrome, dermatosparaxis type. Also called: EDS VIIC; Dermatosparaxis; Ehlers-Danlos syndrome, type VII, autosomal recessive. Identifiers: Orphanet 1901, MedGen C2700425, MONDO:0009161, OMIM 225410.

Allele frequency attached by ClinVar (database versions not stated): gnomAD exomes 0.23810; gnomAD 0.46645 and 0.46646; TOPMed 0.47182; 1000 Genomes Project 0.52456; 1000 Genomes Project 30x 0.52655.
gnomAD v4.1: 70,830 of 152,226 alleles (47%); highest among the groups gnomAD compares: African/African-American, 64%; 17,494 homozygotes.

Submission:

Illumina Laboratory Services, Illumina
Classification: Benign for Ehlers-Danlos syndrome, dermatosparaxis type. Last evaluated: 2018-01-12. Review status: criteria provided, single submitter. Criteria: ICSL Variant Classification Criteria 13 December 2019. Collection method: clinical testing. Allele origin: germline.
Comment: This variant was observed in the ICSL laboratory as part of a predisposition screen in an ostensibly healthy population. It had not been previously curated by ICSL or reported in the Human Gene Mutation Database (HGMD: prior to June 1st, 2018), and was therefore a candidate for classification through an automated scoring system. Utilizing variant allele frequency, disease prevalence and penetrance estimates, and inheritance mode, an automated score was calculated to assess if this variant is too frequent to cause the disease. Based on the score and internal cut-off values, a variant classified as benign is not then subjected to further curation. The score for this variant resulted in a classification of benign for this disease.